The following is an entry in ClinVar:

ClinVar aggregate classification (germline): Uncertain significance (1 of 4 stars; one submission).

Conditions:
Hereditary cancer-predisposing syndrome. Also called: Hereditary Cancer Syndrome; Hereditary neoplastic syndrome; Neoplastic Syndromes, Hereditary; Tumor predisposition. Identifiers: Orphanet 140162, MedGen C0027672, MeSH D009386, MONDO:0015356.

Submission:

Sema4
Classification: Uncertain significance for Hereditary cancer-predisposing syndrome. Last evaluated: 2021-12-13. Review status: criteria provided, single submitter. Criteria: Sema4 Curation Guidelines. Collection method: curation. Allele origin: germline.
Comment: The PALB2 c.2016A>C (p.E672D) variant has not been reported in the literature to our knowledge. It was not observed in the large and broad cohorts of the Genome Aggregation Database. The variant has not been reported in ClinVar. In silico tools suggest the impact of the variant on protein function is benign, though these predictions have not been confirmed by functional studies. The evidence is insufficient to meet ACMG/AMP criteria for classifying the variant as benign or pathogenic. Thus, the clinical significance of this variant is currently uncertain.

NM_024675.4(PALB2):c.2016A>C (p.Glu672Asp)

Gene: PALB2 (partner and localizer of BRCA2; minus strand). Cytogenetic location: 16p12.2.
Variant type: single nucleotide variant.
Coding change: c.2016A>C on transcript NM_024675.4 (MANE Select); coding-DNA position 2016, A replaced by C.
Protein change: p.Glu672Asp; replaces glutamic acid 672 with aspartic acid.
Molecular consequence: missense variant.
Genome position (GRCh38, 1-based): chr16:23,630,138, T>G on the plus strand (A>C on the coding strand, the complement: PALB2 is on the minus strand). VCF-style: chr16-23630138-T-G. GRCh37 (hg19) VCF-style: chr16-23641459-T-G.
Other names: short protein forms E672D.
Identifiers: ClinVar variation 1691944 (VCV001691944.1), dbSNP rs2142383398, ClinGen allele CA395127053.
Genomic context (GRCh38, chr16:23,630,138, plus strand): 5'-CTGGCTTTGCGAGTTTGGCCTTTTGGGATGTGATTTTCCTGGTAGAACAATAAGGTCCTC[T>G]TCTAAGTCCTCCATTTCTGTATCCATGCGTTTAGGACTCAGTTCCTCTGGAAAAATACAG-3'
Protein context (NP_078951.2, residues 662-682): KRMDTEMEDL[Glu672Asp]EDLIVLPGKS